The following is an entry in ClinVar:

NM_001267550.2(TTN):c.50110_50111del (p.Thr16704fs)

Genes: TTN (titin; minus strand), TTN-AS1 (TTN antisense RNA 1; plus strand). Cytogenetic location: 2q31.2.
Variant type: Deletion.
Coding change: c.50110_50111del on transcript NM_001267550.2 (MANE Select); coding-DNA positions 50110 to 50111, 2 bases deleted (AC; older notation c.50110_50111delAC).
Protein change: p.Thr16704fs; shifts the reading frame from threonine 16704.
Molecular consequence: frameshift variant.
Genome position (GRCh38, 1-based): chr2:178,612,414-178,612,415, GT deleted on the plus strand (AC on the coding strand, the reverse complement: TTN is on the minus strand); deleting any 2 consecutive bases within chr2:178,612,414-178,612,416 gives the same sequence; the c. name uses the placement nearest the transcript's 3' end. VCF-style (leftmost placement, unchanged base first): chr2-178612413-AGT-A. GRCh37 (hg19) VCF-style: chr2-179477140-AGT-A.
Other names: c.45187_45188del, p.Thr15063fs (NM_001256850.1); c.22915_22916del, p.Thr7639fs (NM_003319.4); c.42406_42407del, p.Thr14136fs (NM_133378.4); c.23290_23291del, p.Thr7764fs (NM_133432.3); c.23491_23492del, p.Thr7831fs (NM_133437.4); c.50110_50111delAC (NM_001267550.1); short protein forms T14136fs, T15063fs, T16704fs, T7639fs, T7764fs, T7831fs.
Identifiers: ClinVar variation 3377396 (VCV003377396.2).

ClinVar aggregate classification (germline): Likely pathogenic (1 of 4 stars; one submission).

Conditions:
Dilated cardiomyopathy 1G (CMD1G). Identifiers: Orphanet 154, MedGen C1858763, MONDO:0011400, OMIM 604145.

Submission:

Victorian Clinical Genetics Services, Murdoch Childrens Research Institute
Classification: Likely pathogenic for Dilated cardiomyopathy 1G. Last evaluated: 2026-02-26. Review status: criteria provided, single submitter. Criteria: ACMG Guidelines, 2015. Collection method: clinical testing. Allele origin: germline. Affected: yes.
Comment: This variant is classified as Likely pathogenic. Evidence in support of pathogenic classification: Variant is predicted to cause nonsense-mediated decay (NMD) and loss of protein (premature termination codon is located at least 54 nucleotides upstream of the final exon-exon junction); Variant is absent from gnomAD (v2, v3 and v4); Other NMD-predicted variants comparable to the one identified in this case have strong previous evidence for pathogenicity (ClinVar). Additional information: This variant is heterozygous; This gene is associated with both recessive and dominant disease (OMIM); This variant has no previous evidence of pathogenicity; No published functional evidence has been identified for this variant; Variant is located in the annotated A-band and the exon has a PSI score of 100 (PMID: 25589632); Loss of function is known mechanism of disease in this gene. In addition, dominant-negative is also a suggested mechanism (PMID: 25589632); The condition associated with this gene has incomplete penetrance. Variants in this gene that result in a premature truncating codon (PTC) are known to have reduced penetrance in DCM (PMID: 25589632); Inheritance information for this variant is not currently available in this individual.

Literature cited by the submitters: PubMed 25589632.